The following is an entry in ClinVar:

ClinVar aggregate classification (germline): Uncertain significance. Review status: criteria provided, multiple submitters, no conflicts (2 of 4 stars). 2 submissions from 2 submitters: Uncertain significance (2). Last evaluated 2022-04-25.

Conditions:
Cardiovascular phenotype. Identifiers: MedGen CN230736.

gnomAD v4.1: 1 of 1,614,104 alleles (0.000062%); no homozygotes.

Submissions (2):

Ambry Genetics
Classification: Uncertain significance for Cardiovascular phenotype. Last evaluated: 2022-04-25. Review status: criteria provided, single submitter. Criteria: Ambry Variant Classification Scheme 2023. Collection method: clinical testing. Allele origin: germline.

Labcorp Genetics (formerly Invitae), Labcorp
Classification: Uncertain significance. Last evaluated: 2022-02-22. Review status: criteria provided, single submitter. Criteria: Invitae Variant Classification Sherloc (09022015). Collection method: clinical testing. Allele origin: germline.
Comment: This sequence change replaces valine, which is neutral and non-polar, with methionine, which is neutral and non-polar, at codon 843 of the ALPK3 protein (p.Val843Met). This variant is present in population databases (no rsID available, gnomAD 0.0009%). This variant has not been reported in the literature in individuals affected with ALPK3-related conditions. Algorithms developed to predict the effect of missense changes on protein structure and function output the following: SIFT: "Tolerated"; PolyPhen-2: "Benign"; Align-GVGD: "Class C0". The methionine amino acid residue is found in multiple mammalian species, which suggests that this missense change does not adversely affect protein function. In summary, the available evidence is currently insufficient to determine the role of this variant in disease. Therefore, it has been classified as a Variant of Uncertain Significance.

NM_020778.5(ALPK3):c.1921G>A (p.Val641Met)

Gene: ALPK3 (alpha kinase 3; plus strand). Cytogenetic location: 15q25.3.
Variant type: single nucleotide variant.
Coding change: c.1921G>A on transcript NM_020778.5 (MANE Select); coding-DNA position 1921, G replaced by A.
Protein change: p.Val641Met; replaces valine 641 with methionine.
Molecular consequence: missense variant.
Genome position (GRCh38, 1-based): chr15:84,856,659, G>A. VCF-style: chr15-84856659-G-A. GRCh37 (hg19) VCF-style: chr15-85399890-G-A.
Other names: short protein forms V641M.
Identifiers: ClinVar variation 2102198 (VCV002102198.5), dbSNP rs1309761473, ClinGen allele CA393355257.